The following is an entry in ClinVar:

ClinVar aggregate classification (germline): Uncertain significance (1 of 4 stars; one submission).

Submission:

GeneDx
Classification: Uncertain significance. Last evaluated: 2022-04-18. Review status: criteria provided, single submitter. Criteria: GeneDx Variant Classification Process June 2021. Collection method: clinical testing. Allele origin: germline. Affected: yes.
Comment: Not observed at significant frequency in large population cohorts (gnomAD); In silico analysis supports that this missense variant has a deleterious effect on protein structure/function; Missense variants in this gene are often considered pathogenic (HGMD); This substitution is predicted to be in the cytoplasmic loop between the second and third homologous domains; Has not been previously published as pathogenic or benign to our knowledge

NM_001165963.4(SCN1A):c.3372T>A (p.Phe1124Leu)

Genes: SCN1A (sodium voltage-gated channel alpha subunit 1; minus strand), LOC102724058 (uncharacterized LOC102724058; plus strand). Cytogenetic location: 2q24.3.
Variant type: single nucleotide variant.
Coding change: c.3372T>A on transcript NM_001165963.4 (MANE Select); coding-DNA position 3372, T replaced by A.
Protein change: p.Phe1124Leu; replaces phenylalanine 1124 with leucine.
Molecular consequence: missense variant. On other transcripts: non-coding transcript variant (2).
Genome position (GRCh38, 1-based): chr2:166,036,105, A>T on the plus strand (T>A on the coding strand, the complement: SCN1A is on the minus strand). VCF-style: chr2-166036105-A-T. GRCh37 (hg19) VCF-style: chr2-166892615-A-T.
Other names: c.3288T>A, p.Phe1096Leu (NM_001165964.3, NM_001353957.2, NM_001353958.2); c.3372T>A, p.Phe1124Leu (NM_001202435.3, NM_001353948.2); c.3339T>A, p.Phe1113Leu (NM_001353949.2, NM_001353950.2, NM_001353951.2 and 2 more transcripts); c.3336T>A, p.Phe1112Leu (NM_001353954.2, NM_001353955.2); c.3285T>A, p.Phe1095Leu (NM_001353960.2); c.930T>A, p.Phe310Leu (NM_001353961.2); short protein forms F1095L, F1096L, F1112L, F1113L, F1124L, F310L.
Identifiers: ClinVar variation 1711966 (VCV001711966.2), dbSNP rs1424688990, ClinGen allele CA349059202.